The following is an entry in ClinVar:

NM_017617.5(NOTCH1):c.6636C>T (p.Asp2212=)

Gene: NOTCH1 (notch receptor 1; minus strand). Cytogenetic location: 9q34.3.
Variant type: single nucleotide variant.
Coding change: c.6636C>T on transcript NM_017617.5 (MANE Select); coding-DNA position 6636, C replaced by T.
Protein change: p.Asp2212=; no amino-acid change (aspartic acid 2212 retained).
Molecular consequence: synonymous variant.
Genome position (GRCh38, 1-based): chr9:136,497,103, G>A on the plus strand (C>T on the coding strand, the complement: NOTCH1 is on the minus strand). VCF-style: chr9-136497103-G-A. GRCh37 (hg19) VCF-style: chr9-139391555-G-A.
Other names: c.6636C>T, p.Asp2212= (LRG_1122t1); c.6636C>T (NM_017617.4).
Identifiers: ClinVar variation 264082 (VCV000264082.21), dbSNP rs370606059, ClinGen allele CA5339860.

ClinVar aggregate classification (germline): Likely benign. Review status: criteria provided, multiple submitters, no conflicts (2 of 4 stars). 9 submissions from 8 submitters: Likely benign (8). 1 of the submissions does not count toward it. Last evaluated 2025-12-21.

Conditions:
NOTCH1-related disorder. Also called: NOTCH1-related condition; NOTCH1-related disorders.
Adams-Oliver syndrome 5 (AOS5). Identifiers: Orphanet 974, MedGen C4014970, MONDO:0014459, OMIM 616028.
Familial thoracic aortic aneurysm and aortic dissection (TAAD). Also called: Thoracic aortic aneurysms and dissections. Identifiers: Orphanet 91387, MedGen C4707243, MONDO:0019625.
Aortic valve disease 1 (AOVD1). Identifiers: MedGen C3887892, MONDO:0024523, OMIM 109730.

Allele frequency attached by ClinVar (database versions not stated): ExAC 0.00023; ESP Exome Variant Server 0.00023; gnomAD exomes 0.00024; gnomAD 0.00033 and 0.00035; 1000 Genomes Project 0.00040; TOPMed 0.00052; 1000 Genomes Project 30x 0.00062.
gnomAD v4.1: 591 of 1,611,084 alleles (0.037%); highest among the groups gnomAD compares: Admixed American, 0.09%; no homozygotes.

Submissions (9):

Labcorp Genetics (formerly Invitae), Labcorp
Classification: Likely benign for Adams-Oliver syndrome 5. Last evaluated: 2025-12-21. Review status: criteria provided, single submitter. Criteria: Invitae Variant Classification Sherloc (09022015). Collection method: clinical testing. Allele origin: germline.

Blueprint Genetics
Classification: Likely benign. Last evaluated: 2024-11-13. Review status: criteria provided, single submitter. Criteria: ACMG Guidelines, 2015. Collection method: clinical testing. Allele origin: germline.

ARUP Laboratories, Molecular Genetics and Genomics, ARUP Laboratories
Classification: Likely benign. Last evaluated: 2023-05-11. Review status: criteria provided, single submitter. Criteria: ARUP Molecular Germline Variant Investigation Process 2024. Collection method: clinical testing. Allele origin: germline.

Genome-Nilou Lab
Classification: Likely benign for Adams-Oliver syndrome 5. Last evaluated: 2022-03-15. Review status: criteria provided, single submitter. Criteria: ACMG Guidelines, 2015. Collection method: clinical testing. Allele origin: germline. Affected: no.

Genome-Nilou Lab
Classification: Likely benign for Aortic valve disease 1. Last evaluated: 2022-03-15. Review status: criteria provided, single submitter. Criteria: ACMG Guidelines, 2015. Collection method: clinical testing. Allele origin: germline. Affected: no.

CHEO Genetics Diagnostic Laboratory, Children's Hospital of Eastern Ontario
Classification: Likely benign for Familial thoracic aortic aneurysm and aortic dissection. Last evaluated: 2021-11-02. Review status: criteria provided, single submitter. Criteria: ACMG Guidelines, 2015. Collection method: clinical testing. Allele origin: germline.

GeneDx
Classification: Likely benign. Last evaluated: 2021-03-09. Review status: criteria provided, single submitter. Criteria: GeneDx Variant Classification Process June 2021. Collection method: clinical testing. Allele origin: germline. Affected: yes.

Ambry Genetics
Classification: Likely benign for Familial thoracic aortic aneurysm and aortic dissection. Last evaluated: 2015-06-22. Review status: criteria provided, single submitter. Criteria: Ambry Variant Classification Scheme 2023. Collection method: clinical testing. Allele origin: germline.

PreventionGenetics, part of Exact Sciences
Classification: Likely benign for NOTCH1-related condition. Last evaluated: 2020-08-24. Review status: no assertion criteria provided. Collection method: clinical testing. Allele origin: germline. Not counted in ClinVar's aggregate classification.
Comment: This variant is classified as likely benign based on ACMG/AMP sequence variant interpretation guidelines (Richards et al. 2015 PMID: 25741868, with internal and published modifications).